The following is an entry in ClinVar:

NM_206933.4(USH2A):c.12112A>G (p.Thr4038Ala)

Gene: USH2A (usherin; minus strand). Cytogenetic location: 1q41.
Variant type: single nucleotide variant.
Coding change: c.12112A>G on transcript NM_206933.4 (MANE Select); coding-DNA position 12112, A replaced by G.
Protein change: p.Thr4038Ala; replaces threonine 4038 with alanine.
Molecular consequence: missense variant.
Genome position (GRCh38, 1-based): chr1:215,680,331, T>C on the plus strand (A>G on the coding strand, the complement: USH2A is on the minus strand). VCF-style: chr1-215680331-T-C. GRCh37 (hg19) VCF-style: chr1-215853673-T-C.
Other names: c.12112A>G (NM_206933.2); short protein forms T4038A.
Identifiers: ClinVar variation 870920 (VCV000870920.48), dbSNP rs754979740, ClinGen allele CA1393536.

ClinVar aggregate classification (germline): Uncertain significance. Review status: criteria provided, multiple submitters, no conflicts (2 of 4 stars). 6 submissions from 5 submitters: Uncertain significance (6). Last evaluated 2025-01-27.

Conditions:
Inborn genetic diseases. Identifiers: MedGen C0950123, MeSH D030342.
Retinitis pigmentosa 39 (RP39). Identifiers: Orphanet 791, MedGen C3151138, MONDO:0013436, OMIM 613809.
Usher syndrome type 2A. Also called: RETINAL DISEASE IN USHER SYNDROME TYPE IIA, MODIFIER OF; USHER SYNDROME, TYPE IIA. Identifiers: Orphanet 231178, Orphanet 886, MedGen C1848634, MONDO:0010169, OMIM 276901.

Allele frequency attached by ClinVar (database versions not stated): gnomAD 0.00002 and 0.00003; ExAC 0.00003; gnomAD exomes 0.00003 and 0.00004; TOPMed 0.00006.
gnomAD v4.1: 71 of 1,613,986 alleles (0.0044%); highest among the groups gnomAD compares: Middle Eastern, 0.099%; no homozygotes.

Submissions (6):

Labcorp Genetics (formerly Invitae), Labcorp
Classification: Uncertain significance. Last evaluated: 2025-01-27. Review status: criteria provided, single submitter. Criteria: Invitae Variant Classification Sherloc (09022015). Collection method: clinical testing. Allele origin: germline.
Comment: This sequence change replaces threonine, which is neutral and polar, with alanine, which is neutral and non-polar, at codon 4038 of the USH2A protein (p.Thr4038Ala). This variant is present in population databases (rs754979740, gnomAD 0.006%). This missense change has been observed in individual(s) with Usher syndrome (PMID: 34781295). ClinVar contains an entry for this variant (Variation ID: 870920). Invitae Evidence Modeling of protein sequence and biophysical properties (such as structural, functional, and spatial information, amino acid conservation, physicochemical variation, residue mobility, and thermodynamic stability) indicates that this missense variant is not expected to disrupt USH2A protein function with a negative predictive value of 95%. In summary, the available evidence is currently insufficient to determine the role of this variant in disease. Therefore, it has been classified as a Variant of Uncertain Significance.

Clinical Genetics Laboratory, Skane University Hospital Lund
Classification: Uncertain significance. Last evaluated: 2022-07-27. Review status: criteria provided, single submitter. Criteria: ACMG Guidelines, 2015. Collection method: clinical testing. Allele origin: germline. Affected: yes.

Ambry Genetics
Classification: Uncertain significance for Inborn genetic diseases. Last evaluated: 2021-09-16. Review status: criteria provided, single submitter. Criteria: Ambry Variant Classification Scheme 2023. Collection method: clinical testing. Allele origin: germline.

Genome-Nilou Lab
Classification: Uncertain significance for Usher syndrome type 2A. Last evaluated: 2021-07-22. Review status: criteria provided, single submitter. Criteria: ACMG Guidelines, 2015. Collection method: clinical testing. Allele origin: germline. Affected: no.

Genome-Nilou Lab
Classification: Uncertain significance for Retinitis pigmentosa 39. Last evaluated: 2021-07-22. Review status: criteria provided, single submitter. Criteria: ACMG Guidelines, 2015. Collection method: clinical testing. Allele origin: germline. Affected: no.

CeGaT Center for Human Genetics Tuebingen
Classification: Uncertain significance. Last evaluated: 2019-09-01. Review status: criteria provided, single submitter. Criteria: CeGaT Center For Human Genetics Tuebingen Variant Classification Criteria Version 2. Collection method: clinical testing. Allele origin: germline. Affected: yes. Observed: 1 variant allele.

Literature cited by the submitters: PubMed 34781295 (cited by Labcorp Genetics (formerly Invitae), Labcorp).